The following is an entry in ClinVar:

ClinVar aggregate classification (germline): Uncertain significance. Review status: criteria provided, multiple submitters, no conflicts (2 of 4 stars). 2 submissions from 2 submitters: Uncertain significance (2). Last evaluated 2025-09-23.

Conditions:
SRP72-related disorder. Also called: SRP72-related condition.

Submissions (2):

PreventionGenetics, part of Exact Sciences
Classification: Uncertain significance for SRP72-related condition. Last evaluated: 2025-09-23. Review status: criteria provided, single submitter. Criteria: ACMG Guidelines, 2015. Collection method: clinical testing. Allele origin: germline.
Comment: The SRP72 c.391G>T variant is predicted to result in the amino acid substitution p.Val131Leu. To our knowledge, this variant has not been reported in the literature or in a large population database (gnomAD), indicating this variant is rare. At this time, the clinical significance of this variant is uncertain due to the absence of conclusive functional and genetic evidence.

Ambry Genetics
Classification: Uncertain significance. Last evaluated: 2024-12-29. Review status: criteria provided, single submitter. Criteria: Ambry Variant Classification Scheme 2023. Collection method: clinical testing. Allele origin: germline.
Comment: The p.V131L variant (also known as c.391G>T), located in coding exon 4 of the SRP72 gene, results from a G to T substitution at nucleotide position 391. The valine at codon 131 is replaced by leucine, an amino acid with highly similar properties. This amino acid position is conserved. In addition, the in silico prediction for this alteration is inconclusive. Based on the available evidence, the clinical significance of this variant remains unclear.

NM_006947.4(SRP72):c.391G>T (p.Val131Leu)

Gene: SRP72 (signal recognition particle 72; plus strand). Cytogenetic location: 4q12.
Variant type: single nucleotide variant.
Coding change: c.391G>T on transcript NM_006947.4 (MANE Select); coding-DNA position 391, G replaced by T.
Protein change: p.Val131Leu; replaces valine 131 with leucine.
Molecular consequence: missense variant. On other transcripts: non-coding transcript variant (1).
Genome position (GRCh38, 1-based): chr4:56,474,090, G>T. VCF-style: chr4-56474090-G-T. GRCh37 (hg19) VCF-style: chr4-57340256-G-T.
Other names: c.391G>T, p.Val131Leu (NM_001267722.2); short protein forms V131L.
Identifiers: ClinVar variation 3801423 (VCV003801423.2).